The following is an entry in ClinVar:

ClinVar aggregate classification (germline): Conflicting classifications of pathogenicity. Review status: criteria provided, conflicting classifications (1 of 4 stars). 2 submissions from 2 submitters: Uncertain significance (1); Likely benign (1). Last evaluated 2026-07-28.

Conditions:
Hereditary cancer-predisposing syndrome. Also called: Neoplastic Syndromes, Hereditary; Tumor predisposition; Hereditary Cancer Syndrome; Hereditary neoplastic syndrome. Identifiers: Orphanet 140162, MedGen C0027672, MeSH D009386, MONDO:0015356.

Allele frequency attached by ClinVar (database versions not stated): gnomAD exomes below 0.00001; TOPMed below 0.00001.
gnomAD v4.1: 2 of 1,612,920 alleles (0.00012%); highest among the groups gnomAD compares: Non-Finnish European, 0.00017%; no homozygotes.

Submissions (2):

Ambry Genetics
Classification: Likely benign for Hereditary cancer-predisposing syndrome. Last evaluated: 2026-07-28. Review status: criteria provided, single submitter. Criteria: Ambry Variant Classification Scheme 2023. Collection method: clinical testing. Allele origin: germline.

GeneDx
Classification: Uncertain significance. Last evaluated: 2024-02-20. Review status: criteria provided, single submitter. Criteria: GeneDx Variant Classification Process June 2021. Collection method: clinical testing. Allele origin: germline. Affected: yes.
Comment: Not observed at significant frequency in large population cohorts (gnomAD); In silico analysis supports that this missense variant does not alter protein structure/function; Has not been previously published as pathogenic or benign to our knowledge

NM_000264.5(PTCH1):c.4004A>G (p.Asn1335Ser)

Gene: PTCH1 (patched 1; minus strand). Cytogenetic location: 9q22.32.
Variant type: single nucleotide variant.
Coding change: c.4004A>G on transcript NM_000264.5 (MANE Select); coding-DNA position 4004, A replaced by G.
Protein change: p.Asn1335Ser; replaces asparagine 1335 with serine.
Molecular consequence: missense variant. On other transcripts: non-coding transcript variant (1).
Genome position (GRCh38, 1-based): chr9:95,447,252, T>C on the plus strand (A>G on the coding strand, the complement: PTCH1 is on the minus strand). VCF-style: chr9-95447252-T-C. GRCh37 (hg19) VCF-style: chr9-98209534-T-C.
Other names: c.3806A>G, p.Asn1269Ser (NM_001083602.3); c.4001A>G, p.Asn1334Ser (NM_001083603.3); c.3551A>G, p.Asn1184Ser (NM_001083604.3, NM_001083605.3, NM_001083606.3 and 1 more transcripts); c.3848A>G, p.Asn1283Ser (NM_001354918.2); short protein forms N1184S, N1269S, N1283S, N1334S, N1335S.
Identifiers: ClinVar variation 3231039 (VCV003231039.3), dbSNP rs1231336202, ClinGen allele CA374110495.